The following is an entry in ClinVar:

ClinVar aggregate classification (germline): Uncertain significance (1 of 4 stars; one submission).

Conditions:
ENPP1-related disorder. Also called: ENPP1-related disorders; ENPP1-related condition.

gnomAD v4.1: 15 of 1,613,870 alleles (0.00093%); highest among the groups gnomAD compares: Admixed American, 0.0033%; no homozygotes.

Submission:

PreventionGenetics, part of Exact Sciences
Classification: Uncertain significance for ENPP1-related condition. Last evaluated: 2024-11-20. Review status: criteria provided, single submitter. Criteria: ACMG Guidelines, 2015. Collection method: clinical testing. Allele origin: germline.
Comment: The ENPP1 c.361C>T variant is predicted to result in the amino acid substitution p.Arg121Cys. To our knowledge, this variant has not been reported in the literature. This variant is reported in 0.0028% of alleles in individuals of Latino descent in gnomAD. At this time, the clinical significance of this variant is uncertain due to the absence of conclusive functional and genetic evidence.

NM_006208.3(ENPP1):c.361C>T (p.Arg121Cys)

Gene: ENPP1 (ectonucleotide pyrophosphatase/phosphodiesterase 1; plus strand). Cytogenetic location: 6q23.2.
Variant type: single nucleotide variant.
Coding change: c.361C>T on transcript NM_006208.3 (MANE Select); coding-DNA position 361, C replaced by T.
Protein change: p.Arg121Cys; replaces arginine 121 with cysteine.
Molecular consequence: missense variant.
Genome position (GRCh38, 1-based): chr6:131,850,037, C>T. VCF-style: chr6-131850037-C-T. GRCh37 (hg19) VCF-style: chr6-132171177-C-T.
Other names: short protein forms R121C.
Identifiers: ClinVar variation 4985159 (VCV004985159.1).
Genomic context (GRCh38, chr6:131,850,037, plus strand): 5'-TCAATTTTTTCAGTTAAAAGTTGCAAAGGTCGCTGTTTCGAGAGAACATTTGGGAACTGT[C>T]GCTGTGATGCTGCCTGTGTTGAGCTTGGAAACTGCTGTTTAGATTACCAGGAGACGTGCA-3'
Protein context (NP_006199.2, residues 111-131): RCFERTFGNC[Arg121Cys]CDAACVELGN